The following is an entry in ClinVar:

NM_001042492.3(NF1):c.288+2025T>G

Gene: NF1 (neurofibromin 1; plus strand). Cytogenetic location: 17q11.2.
Variant type: single nucleotide variant.
Coding change: c.288+2025T>G on transcript NM_001042492.3 (MANE Select); 2025 bases into the intron after coding-DNA position 288, T replaced by G.
Molecular consequence: intron variant.
Genome position (GRCh38, 1-based): chr17:31,161,118, T>G. VCF-style: chr17-31161118-T-G. GRCh37 (hg19) VCF-style: chr17-29488136-T-G.
Other names: c.288+2025T>G (NM_000267.4, NM_001128147.3).
Identifiers: ClinVar variation 3237701 (VCV003237701.2), dbSNP rs2544695286.

ClinVar aggregate classification (germline): Pathogenic/Likely pathogenic. Review status: criteria provided, multiple submitters, no conflicts (2 of 4 stars). 2 submissions from 2 submitters: Pathogenic (1); Likely pathogenic (1). Last evaluated 2023-05-11.

Conditions:
Hereditary cancer-predisposing syndrome. Also called: Hereditary Cancer Syndrome; Tumor predisposition; Neoplastic Syndromes, Hereditary; Hereditary neoplastic syndrome. Identifiers: Orphanet 140162, MedGen C0027672, MeSH D009386, MONDO:0015356.
Cardiovascular phenotype. Identifiers: MedGen CN230736.
Neurofibromatosis, type 1 (NF1). Also called: VON RECKLINGHAUSEN DISEASE; Neurofibromatosis, type I; NEUROFIBROMATOSIS, TYPE I, SOMATIC; Peripheral type neurofibromatosis. Identifiers: Orphanet 636, MedGen C0027831, MONDO:0018975, OMIM 162200. Disease mechanism: loss of function.

Submissions (2):

Ambry Genetics
Classification: Pathogenic for Cardiovascular phenotype; Hereditary cancer-predisposing syndrome. Last evaluated: 2023-05-11. Review status: criteria provided, single submitter. Criteria: Ambry Variant Classification Scheme 2023. Collection method: clinical testing. Allele origin: germline.
Comment: The c.288+2025T>G intronic pathogenic mutation results from a T to G substitution 2025 nucleotides after coding exon 3 in the NF1 gene. This alteration was identified in 1 of 374 patients undergoing genetic testing due to a diagnosis or clinical suspicion of neurofibromatosis type 1. RNA studies have demonstrated that this alteration results in insertion of a cryptic exon containing 108 nucleotides, thereby creating a premature stop codon (Pros E et al. Hum Mutat, 2008 Sep;29:E173-93). In silico splice site analysis predicts that this alteration will result in the creation or strengthening of a novel splice donor site. This variant is considered to be rare based on population cohorts in the Genome Aggregation Database (gnomAD). Based on the supporting evidence, this alteration is interpreted as a disease-causing mutation.

Department of Pathology and Laboratory Medicine, Sinai Health System
Classification: Likely pathogenic for neurofibromatosis type 1. Review status: criteria provided, single submitter. Criteria: ACMG Guidelines, 2015. Collection method: clinical testing. Allele origin: germline.